The following is an entry in ClinVar:

ClinVar aggregate classification (germline): Likely benign (1 of 4 stars; one submission).

Conditions:
FMN2-related disorder. Also called: FMN2-related condition.

Submission:

PreventionGenetics, part of Exact Sciences
Classification: Likely benign for FMN2-related condition. Last evaluated: 2021-06-01. Review status: criteria provided, single submitter. Criteria: ACMG Guidelines, 2015. Collection method: clinical testing. Allele origin: germline.
Comment: This variant is classified as likely benign based on ACMG/AMP sequence variant interpretation guidelines (Richards et al. 2015 PMID: 25741868, with internal and published modifications).

NM_020066.5(FMN2):c.2997T>A (p.Pro999=)

Gene: FMN2 (formin 2; plus strand). Cytogenetic location: 1q43.
Variant type: single nucleotide variant.
Coding change: c.2997T>A on transcript NM_020066.5 (MANE Select); coding-DNA position 2997, T replaced by A.
Protein change: p.Pro999=; no amino-acid change (proline 999 retained).
Molecular consequence: synonymous variant. On other transcripts: intron variant (1).
Genome position (GRCh38, 1-based): chr1:240,207,809, T>A. VCF-style: chr1-240207809-T-A. GRCh37 (hg19) VCF-style: chr1-240371109-T-A.
Other names: c.3009T>A, p.Pro1003= (NM_001305424.2); c.1986+19547T>A (NM_001348094.2).
Identifiers: ClinVar variation 3036377 (VCV003036377.1), dbSNP rs1572063197, ClinGen allele CA1476972.